The following is an entry in ClinVar:

NM_015295.3(SMCHD1):c.2114C>T (p.Pro705Leu)

Gene: SMCHD1 (structural maintenance of chromosomes flexible hinge domain containing 1; plus strand). Cytogenetic location: 18p11.32.
Variant type: single nucleotide variant.
Coding change: c.2114C>T on transcript NM_015295.3 (MANE Select); coding-DNA position 2114, C replaced by T.
Protein change: p.Pro705Leu; replaces proline 705 with leucine.
Molecular consequence: missense variant.
Genome position (GRCh38, 1-based): chr18:2,707,613, C>T. VCF-style: chr18-2707613-C-T. GRCh37 (hg19) VCF-style: chr18-2707611-C-T.
Other names: short protein forms P705L.
Identifiers: ClinVar variation 3625979 (VCV003625979.2).

ClinVar aggregate classification (germline): Uncertain significance (1 of 4 stars; one submission).

Conditions:
Facioscapulohumeral muscular dystrophy 2 (FSHD2). Also called: FACIOSCAPULOHUMERAL MUSCULAR DYSTROPHY 2, DIGENIC; FSHD2, DIGENIC; MUSCULAR DYSTROPHY, FACIOSCAPULOHUMERAL, TYPE 1B. Identifiers: Orphanet 269, MedGen C1834671, MONDO:0008031, OMIM 158901.

gnomAD v4.1: 12 of 1,608,824 alleles (0.00075%); highest among the groups gnomAD compares: Non-Finnish European, 0.001%; no homozygotes.

Submission:

Labcorp Genetics (formerly Invitae), Labcorp
Classification: Uncertain significance for Facioscapulohumeral muscular dystrophy 2. Last evaluated: 2024-05-28. Review status: criteria provided, single submitter. Criteria: Invitae Variant Classification Sherloc (09022015). Collection method: clinical testing. Allele origin: germline.
Comment: This sequence change replaces proline, which is neutral and non-polar, with leucine, which is neutral and non-polar, at codon 705 of the SMCHD1 protein (p.Pro705Leu). This variant is present in population databases (rs768068946, gnomAD 0.004%). This variant has not been reported in the literature in individuals affected with SMCHD1-related conditions. Advanced modeling of protein sequence and biophysical properties (such as structural, functional, and spatial information, amino acid conservation, physicochemical variation, residue mobility, and thermodynamic stability) performed at Invitae indicates that this missense variant is not expected to disrupt SMCHD1 protein function with a negative predictive value of 80%. In summary, the available evidence is currently insufficient to determine the role of this variant in disease. Therefore, it has been classified as a Variant of Uncertain Significance.